The following is an entry in ClinVar:

ClinVar aggregate classification (germline): Benign. Review status: criteria provided, single submitter (1 of 4 stars). 2 submissions from 2 submitters: Benign (1). 1 of the submissions does not count toward it. Last evaluated 2022-05-04.

Conditions:
Familial cancer of breast. Also called: BREAST CANCER, FAMILIAL; Hereditary breast cancer; hereditary breast carcinoma. Identifiers: Orphanet 227535, MedGen C0346153, MONDO:0016419, OMIM 114480. Disease mechanism: loss of function.

Submissions (2):

Mendelics
Classification: Benign. Last evaluated: 2022-05-04. Review status: criteria provided, single submitter. Criteria: Mendelics Assertion Criteria 2019. Collection method: clinical testing. Allele origin: germline.

Department of Zoology Govt. MVM College
Classification: Likely pathogenic for Familial cancer of breast. Review status: no assertion criteria provided. Collection method: not provided. Allele origin: unknown. Not counted in ClinVar's aggregate classification.
Comment: KM276976
ClinVar note: Converted during submission from probable-pathogenic to Likely pathogenic.

NC_012920.1(MT-CYB):m.15649A>G

Gene: MT-CYB (mitochondrially encoded cytochrome b; plus strand).
Variant type: single nucleotide variant.
Genome position: chrM-15649-A-G.
Identifiers: ClinVar variation 143896 (VCV000143896.4), dbSNP rs527236191, ClinGen allele CA270620.